The following is an entry in ClinVar:

NM_003482.4(KMT2D):c.1861C>T (p.Pro621Ser)

Gene: KMT2D (lysine methyltransferase 2D; minus strand). Cytogenetic location: 12q13.12.
Variant type: single nucleotide variant.
Coding change: c.1861C>T on transcript NM_003482.4 (MANE Select); coding-DNA position 1861, C replaced by T.
Protein change: p.Pro621Ser; replaces proline 621 with serine.
Molecular consequence: missense variant.
Genome position (GRCh38, 1-based): chr12:49,051,822, G>A on the plus strand (C>T on the coding strand, the complement: KMT2D is on the minus strand). VCF-style: chr12-49051822-G-A. GRCh37 (hg19) VCF-style: chr12-49445605-G-A.
Other names: short protein forms P621S.
Identifiers: ClinVar variation 3368627 (VCV003368627.1).

ClinVar aggregate classification (germline): Uncertain significance (1 of 4 stars; one submission).

Submission:

GeneDx
Classification: Uncertain significance. Last evaluated: 2024-02-04. Review status: criteria provided, single submitter. Criteria: GeneDx Variant Classification Process June 2021. Collection method: clinical testing. Allele origin: germline. Affected: yes.
Comment: Not observed at significant frequency in large population cohorts (gnomAD); In silico analysis supports that this missense variant does not alter protein structure/function; Has not been previously published as pathogenic or benign to our knowledge